The following is an entry in ClinVar:

NM_001040108.2(MLH3):c.4238_4242+1dup

Gene: MLH3 (mutL homolog 3; minus strand). Cytogenetic location: 14q24.3.
Variant type: Duplication.
Coding change: c.4238_4242+1dup on transcript NM_001040108.2 (MANE Select); coding-DNA position 4238 through the canonical splice donor site of the intron after coding-DNA position 4242, 6 bases duplicated (AACAGG; older notation c.4238_4242+1dupAACAGG).
Molecular consequence: splice donor variant.
Genome position (GRCh38, 1-based): chr14:75,018,828-75,018,833, CCTGTT duplicated on the plus strand (AACAGG on the coding strand, the reverse complement: MLH3 is on the minus strand). VCF-style (leftmost placement, unchanged base first): chr14-75018827-A-ACCTGTT. GRCh37 (hg19) VCF-style: chr14-75485530-A-ACCTGTT.
Other names: c.4166_4170+1dup (NM_014381.3).
Identifiers: ClinVar variation 2968099 (VCV002968099.3), dbSNP rs2503043395, ClinGen allele CA2740097128.

ClinVar aggregate classification (germline): Uncertain significance (1 of 4 stars; one submission).

Conditions:
Colorectal cancer, hereditary nonpolyposis, type 7. Identifiers: Orphanet 144, MedGen C1858380, MONDO:0013725, OMIM 614385.

Submission:

Labcorp Genetics (formerly Invitae), Labcorp
Classification: Uncertain significance for Colorectal cancer, hereditary nonpolyposis, type 7. Last evaluated: 2023-10-09. Review status: criteria provided, single submitter. Criteria: Invitae Variant Classification Sherloc (09022015). Collection method: clinical testing. Allele origin: germline.
Comment: This sequence change affects a splice site in intron 12 of the MLH3 gene. It is expected to disrupt RNA splicing. Variants that disrupt the donor or acceptor splice site typically lead to a loss of protein function (PMID: 16199547), however the current clinical and genetic evidence is not sufficient to establish whether loss-of-function variants in MLH3 cause disease. This variant is not present in population databases (gnomAD no frequency). This variant has not been reported in the literature in individuals affected with MLH3-related conditions. In summary, the available evidence is currently insufficient to determine the role of this variant in disease. Therefore, it has been classified as a Variant of Uncertain Significance.

Literature cited by the submitters: PubMed 16199547.